The following is an entry in ClinVar:

NM_001048174.2(MUTYH):c.689T>C (p.Val230Ala)

Gene: MUTYH (mutY DNA glycosylase; minus strand). Cytogenetic location: 1p34.1.
Variant type: single nucleotide variant.
Coding change: c.689T>C on transcript NM_001048174.2 (MANE Select); coding-DNA position 689, T replaced by C.
Protein change: p.Val230Ala; replaces valine 230 with alanine.
Molecular consequence: missense variant. On other transcripts: non-coding transcript variant (7).
Genome position (GRCh38, 1-based): chr1:45,332,406, A>G on the plus strand (T>C on the coding strand, the complement: MUTYH is on the minus strand). VCF-style: chr1-45332406-A-G. GRCh37 (hg19) VCF-style: chr1-45798078-A-G.
Other names: c.734T>C, p.Val245Ala (NM_001293190.2); c.722T>C, p.Val241Ala (NM_001293191.2, NM_001407069.1, NM_001407077.1); c.413T>C, p.Val138Ala (NM_001293192.2, NM_001293196.2, NM_001407091.1); c.689T>C, p.Val230Ala (NM_001293195.2, NM_001407081.1, NM_001407088.1 and 6 more transcripts); c.344T>C, p.Val115Ala (NM_001350650.2, NM_001407082.1, NM_001350651.2); c.650T>C, p.Val217Ala (NM_001407079.1); c.647T>C, p.Val216Ala (NM_001407080.1); c.692T>C, p.Val231Ala (NM_001407086.1, NM_001048172.2, NM_001407071.1 and 1 more transcripts); and 5 more; short protein forms V202A, V216A, V217A, V241A, V245A, V115A, V230A, V258A.
Identifiers: ClinVar variation 4113827 (VCV004113827.1).

ClinVar aggregate classification (germline): Uncertain significance (1 of 4 stars; one submission).

Conditions:
Hereditary cancer-predisposing syndrome. Also called: Hereditary neoplastic syndrome; Neoplastic Syndromes, Hereditary; Tumor predisposition; Hereditary Cancer Syndrome. Identifiers: Orphanet 140162, MedGen C0027672, MeSH D009386, MONDO:0015356.

Submission:

Ambry Genetics
Classification: Uncertain significance for Hereditary cancer-predisposing syndrome. Last evaluated: 2025-08-27. Review status: criteria provided, single submitter. Criteria: Ambry Variant Classification Scheme 2023. Collection method: clinical testing. Allele origin: germline.
Comment: The p.V258A variant (also known as c.773T>C), located in coding exon 9 of the MUTYH gene, results from a T to C substitution at nucleotide position 773. The valine at codon 258 is replaced by alanine, an amino acid with similar properties. This amino acid position is conserved. In addition, the in silico prediction for this alteration is inconclusive. Based on the available evidence, the clinical significance of this variant remains unclear.